The following is an entry in ClinVar:

ClinVar aggregate classification (germline): Likely benign (1 of 4 stars; one submission).

Allele frequency attached by ClinVar (database versions not stated): 1000 Genomes Project 30x 0.00281; 1000 Genomes Project 0.00300; gnomAD 0.00324; TOPMed 0.00380.

Submission:

CeGaT Center for Human Genetics Tuebingen
Classification: Likely benign. Last evaluated: 2023-06-01. Review status: criteria provided, single submitter. Criteria: CeGaT Center For Human Genetics Tuebingen Variant Classification Criteria Version 2. Collection method: clinical testing. Allele origin: germline. Affected: yes. Observed: 3 variant alleles.
Comment: KCNQ2: BS1

NM_172107.4(KCNQ2):c.297-12263G>A

Gene: KCNQ2 (potassium voltage-gated channel subfamily Q member 2; minus strand). Cytogenetic location: 20q13.33.
Variant type: single nucleotide variant.
Coding change: c.297-12263G>A on transcript NM_172107.4 (MANE Select); 12263 bases into the intron before coding-DNA position 297, G replaced by A.
Molecular consequence: intron variant.
Genome position (GRCh38, 1-based): chr20:63,459,100, C>T on the plus strand (G>A on the coding strand, the complement: KCNQ2 is on the minus strand). VCF-style: chr20-63459100-C-T. GRCh37 (hg19) VCF-style: chr20-62090453-C-T.
Other names: c.297-12263G>A (NM_004518.6, NM_172108.5, NM_172106.3 and 2 more transcripts).
Identifiers: ClinVar variation 2652537 (VCV002652537.24), dbSNP rs113484187, ClinGen allele CA317475321.
Genomic context (GRCh38, chr20:63,459,100, plus strand): 5'-GTTGGTGGGTGGGTAGATAAACTGAGGTCCGTCCGTGCGGCCACAGGAAGGACGAGGCAG[C>T]GGCCCCCAGACACGGAGAGGATGAAGGAGTACCCTAAACACGAAGGAACCTGAGGGCAGG-3'